The following is an entry in ClinVar:

ClinVar aggregate classification (germline): Uncertain significance (1 of 4 stars; one submission).

Allele frequency attached by ClinVar (database versions not stated): gnomAD exomes below 0.00001.

Submission:

Labcorp Genetics (formerly Invitae), Labcorp
Classification: Uncertain significance. Last evaluated: 2022-07-21. Review status: criteria provided, single submitter. Criteria: Invitae Variant Classification Sherloc (09022015). Collection method: clinical testing. Allele origin: germline.
Comment: In summary, the available evidence is currently insufficient to determine the role of this variant in disease. Therefore, it has been classified as a Variant of Uncertain Significance. Variants that disrupt the consensus splice site are a relatively common cause of aberrant splicing (PMID: 17576681, 9536098). Algorithms developed to predict the effect of sequence changes on RNA splicing suggest that this variant is not likely to affect RNA splicing. This variant has not been reported in the literature in individuals affected with PTPN23-related conditions. This variant is present in population databases (no rsID available, gnomAD 0.003%). This sequence change falls in intron 4 of the PTPN23 gene. It does not directly change the encoded amino acid sequence of the PTPN23 protein. It affects a nucleotide within the consensus splice site.

Literature cited by the submitters: PubMed 17576681; PubMed 9536098.

NM_015466.4(PTPN23):c.364+3G>A

Gene: PTPN23 (protein tyrosine phosphatase non-receptor type 23; plus strand). Cytogenetic location: 3p21.31.
Variant type: single nucleotide variant.
Coding change: c.364+3G>A on transcript NM_015466.4 (MANE Select); 3 bases into the intron after coding-DNA position 364, G replaced by A.
Molecular consequence: intron variant.
Genome position (GRCh38, 1-based): chr3:47,405,084, G>A. VCF-style: chr3-47405084-G-A. GRCh37 (hg19) VCF-style: chr3-47446574-G-A.
Other names: c.-15+3G>A (NM_001304482.2).
Identifiers: ClinVar variation 2018731 (VCV002018731.4), dbSNP rs1472152269, ClinGen allele CA542748303.
Genomic context (GRCh38, chr3:47,405,084, plus strand): 5'-AAGTCTGTGGCCCATGAGGACATCAAGTACGAGCAGGCCTGTATTCTCTACAACCTTGGT[G>A]AGCTGCCTGATCCCTTCCCCCGGCCCTACTCCCCAGTCCTGCCAGCCTAGCTTTCAGCTC-3'